The following is an entry in ClinVar:

NM_004656.4(BAP1):c.928A>G (p.Thr310Ala)

Gene: BAP1 (BRCA1 associated deubiquitinase 1; minus strand). Cytogenetic location: 3p21.1.
Variant type: single nucleotide variant.
Coding change: c.928A>G on transcript NM_004656.4 (MANE Select); coding-DNA position 928, A replaced by G.
Protein change: p.Thr310Ala; replaces threonine 310 with alanine.
Molecular consequence: missense variant.
Genome position (GRCh38, 1-based): chr3:52,405,768, T>C on the plus strand (A>G on the coding strand, the complement: BAP1 is on the minus strand). VCF-style: chr3-52405768-T-C. GRCh37 (hg19) VCF-style: chr3-52439784-T-C.
Other names: short protein forms T310A.
Identifiers: ClinVar variation 1331849 (VCV001331849.11), dbSNP rs2153227210, ClinGen allele CA353106514.

ClinVar aggregate classification (germline): Uncertain significance. Review status: criteria provided, multiple submitters, no conflicts (2 of 4 stars). 2 submissions from 2 submitters: Uncertain significance (2). Last evaluated 2024-03-06.

Conditions:
Hereditary cancer-predisposing syndrome. Also called: Tumor predisposition; Hereditary Cancer Syndrome; Neoplastic Syndromes, Hereditary; Hereditary neoplastic syndrome. Identifiers: Orphanet 140162, MedGen C0027672, MeSH D009386, MONDO:0015356.
BAP1-related tumor predisposition syndrome (TPDS1). Also called: Tumor susceptibility linked to germline BAP1 mutations; BAP1 tumor predisposition syndrome; COMMON Syndrome; TUMOR PREDISPOSITION SYNDROME 1. Identifiers: Orphanet 289539, MedGen C3280492, MONDO:0013692, OMIM 614327.

Submissions (2):

Color Diagnostics, LLC DBA Color Health
Classification: Uncertain significance for Hereditary cancer-predisposing syndrome. Last evaluated: 2024-03-06. Review status: criteria provided, single submitter. Criteria: ACMG Guidelines, 2015. Collection method: clinical testing. Allele origin: germline.
Comment: This missense variant replaces threonine with alanine at codon 310 of the BAP1 protein. Computational prediction suggests that this variant may not impact protein structure and function (internally defined REVEL score threshold <= 0.5, PMID: 27666373). To our knowledge, functional studies have not been reported for this variant. This variant has not been reported in individuals affected with hereditary cancer in the literature. This variant has not been identified in the general population by the Genome Aggregation Database (gnomAD). The available evidence is insufficient to determine the role of this variant in disease conclusively. Therefore, this variant is classified as a Variant of Uncertain Significance.

Labcorp Genetics (formerly Invitae), Labcorp
Classification: Uncertain significance for BAP1-related tumor predisposition syndrome. Last evaluated: 2021-02-12. Review status: criteria provided, single submitter. Criteria: Invitae Variant Classification Sherloc (09022015). Collection method: clinical testing. Allele origin: germline.
Comment: In summary, the available evidence is currently insufficient to determine the role of this variant in disease. Therefore, it has been classified as a Variant of Uncertain Significance. Algorithms developed to predict the effect of missense changes on protein structure and function output the following: SIFT: "Tolerated"; PolyPhen-2: "Benign"; Align-GVGD: "Class C0". The alanine amino acid residue is found in multiple mammalian species, suggesting that this missense change does not adversely affect protein function. These predictions have not been confirmed by published functional studies and their clinical significance is uncertain. This variant has not been reported in the literature in individuals with BAP1-related conditions. This variant is not present in population databases (ExAC no frequency). This sequence change replaces threonine with alanine at codon 310 of the BAP1 protein (p.Thr310Ala). The threonine residue is moderately conserved and there is a small physicochemical difference between threonine and alanine.